The following is an entry in ClinVar:

NM_001379029.1(CERT1):c.1521A>G (p.Leu507=)

Gene: CERT1 (ceramide transporter 1; minus strand). Cytogenetic location: 5q13.3.
Variant type: single nucleotide variant.
Coding change: c.1521A>G on transcript NM_001379029.1 (MANE Select); coding-DNA position 1521, A replaced by G.
Protein change: p.Leu507=; no amino-acid change (leucine 507 retained).
Molecular consequence: synonymous variant.
Genome position (GRCh38, 1-based): chr5:75,382,045, T>C on the plus strand (A>G on the coding strand, the complement: CERT1 is on the minus strand). VCF-style: chr5-75382045-T-C. GRCh37 (hg19) VCF-style: chr5-74677870-T-C.
Other names: c.1905A>G, p.Leu635= (NM_001130105.1); c.1521A>G, p.Leu507= (NM_001379002.1, NM_005713.3); c.1443A>G, p.Leu481= (NM_001379003.1, NM_001379004.1, NM_031361.3).
Identifiers: ClinVar variation 3058154 (VCV003058154.3), dbSNP rs115687524, ClinGen allele CA3308991.

ClinVar aggregate classification (germline): Likely benign. Review status: criteria provided, single submitter (1 of 4 stars). 2 submissions from 2 submitters: Likely benign (1). 1 of the submissions does not count toward it. Last evaluated 2024-11-22.

Conditions:
CERT1-related disorder. Also called: CERT1-related condition.

Allele frequency attached by ClinVar (database versions not stated): ESP Exome Variant Server 0.00008; gnomAD 0.00013; ExAC 0.00016; TOPMed 0.00016; gnomAD exomes 0.00028; 1000 Genomes Project 30x 0.00031; 1000 Genomes Project 0.00040.
gnomAD v4.1: 426 of 1,613,850 alleles (0.026%); highest among the groups gnomAD compares: Non-Finnish European, 0.033%; no homozygotes.

Submissions (2):

Blueprint Genetics
Classification: Likely benign. Last evaluated: 2024-11-22. Review status: criteria provided, single submitter. Criteria: ACMG Guidelines, 2015. Collection method: clinical testing. Allele origin: germline.

PreventionGenetics, part of Exact Sciences
Classification: Likely benign for CERT1-related condition. Last evaluated: 2019-03-01. Review status: no assertion criteria provided. Collection method: clinical testing. Allele origin: germline. Not counted in ClinVar's aggregate classification.
Comment: This variant is classified as likely benign based on ACMG/AMP sequence variant interpretation guidelines (Richards et al. 2015 PMID: 25741868, with internal and published modifications).